The following is an entry in ClinVar:

NM_001374353.1(GLI2):c.891del (p.Gln297fs)

Gene: GLI2 (GLI family zinc finger 2; plus strand). Cytogenetic location: 2q14.2.
Variant type: Deletion.
Coding change: c.891del on transcript NM_001374353.1 (MANE Select); coding-DNA position 891, one base deleted (G; older notation c.891delG).
Protein change: p.Gln297fs; shifts the reading frame from glutamine 297.
Molecular consequence: frameshift variant.
Genome position (GRCh38, 1-based): chr2:120,970,438, G deleted. VCF-style (leftmost placement, unchanged base first): chr2-120970437-AG-A. GRCh37 (hg19) VCF-style: chr2-121728013-AG-A.
Other names: c.891del, p.Gln297fs (NM_001371271.1, NM_005270.5); c.516del, p.Gln172fs (NM_001374354.1); c.891delG (NM_005270.4); short protein forms Q297fs, Q172fs.
Identifiers: ClinVar variation 374323 (VCV000374323.2), dbSNP rs1057518696, ClinGen allele CA16043646.

ClinVar aggregate classification (germline): Pathogenic (0 of 4 stars; one submission).

Conditions:
Holoprosencephaly 9 (HPE9). Also called: HOLOPROSENCEPHALY WITH MICROPHTHALMIA AND FIRST BRANCHIAL ARCH ANOMALIES; PITUITARY ANOMALIES WITH HOLOPROSENCEPHALY-LIKE FEATURES. Identifiers: Orphanet 2162, MedGen C1835819, MONDO:0012563, OMIM 610829.

Submission:

Baylor Genetics
Classification: Pathogenic for Holoprosencephaly 9. Last evaluated: 2014-06-19. Review status: no assertion criteria provided. Collection method: clinical testing. Allele origin: maternal. Inheritance: Autosomal dominant inheritance. Affected: yes. Observed: 1 variant allele, 1 heterozygote.
Comment: This change is categorized as deleterious according to ACMG guidelines [PMID: 18414213].